The following is an entry in ClinVar:

ClinVar aggregate classification (germline): Uncertain significance. Review status: criteria provided, multiple submitters, no conflicts (2 of 4 stars). 2 submissions from 2 submitters: Uncertain significance (2). Last evaluated 2025-03-13.

Conditions:
Hereditary nonpolyposis colorectal neoplasms. Identifiers: MedGen C0009405, MeSH D003123.
Hereditary cancer-predisposing syndrome. Also called: Hereditary neoplastic syndrome; Tumor predisposition; Neoplastic Syndromes, Hereditary; Hereditary Cancer Syndrome. Identifiers: Orphanet 140162, MedGen C0027672, MeSH D009386, MONDO:0015356.

Submissions (2):

Labcorp Genetics (formerly Invitae), Labcorp
Classification: Uncertain significance for Hereditary nonpolyposis colorectal neoplasms. Last evaluated: 2025-03-13. Review status: criteria provided, single submitter. Criteria: Invitae Variant Classification Sherloc (09022015). Collection method: clinical testing. Allele origin: germline.
Comment: This sequence change replaces asparagine, which is neutral and polar, with serine, which is neutral and polar, at codon 1043 of the MSH6 protein (p.Asn1043Ser). This variant is not present in population databases (gnomAD no frequency). This variant has not been reported in the literature in individuals affected with MSH6-related conditions. ClinVar contains an entry for this variant (Variation ID: 1503104). Invitae Evidence Modeling of protein sequence and biophysical properties (such as structural, functional, and spatial information, amino acid conservation, physicochemical variation, residue mobility, and thermodynamic stability) indicates that this missense variant is not expected to disrupt MSH6 protein function with a negative predictive value of 95%. In summary, the available evidence is currently insufficient to determine the role of this variant in disease. Therefore, it has been classified as a Variant of Uncertain Significance.

Ambry Genetics
Classification: Uncertain significance for Hereditary cancer-predisposing syndrome. Last evaluated: 2024-05-24. Review status: criteria provided, single submitter. Criteria: Ambry Variant Classification Scheme 2023. Collection method: clinical testing. Allele origin: germline.
Comment: The p.N1043S variant (also known as c.3128A>G), located in coding exon 4 of the MSH6 gene, results from an A to G substitution at nucleotide position 3128. The asparagine at codon 1043 is replaced by serine, an amino acid with highly similar properties. This amino acid position is conserved. In addition, the in silico prediction for this alteration is inconclusive. Based on the available evidence, the clinical significance of this variant remains unclear.

NM_000179.3(MSH6):c.3128A>G (p.Asn1043Ser)

Gene: MSH6 (mutS homolog 6; plus strand). Cytogenetic location: 2p16.3.
Variant type: single nucleotide variant.
Coding change: c.3128A>G on transcript NM_000179.3 (MANE Select); coding-DNA position 3128, A replaced by G.
Protein change: p.Asn1043Ser; replaces asparagine 1043 with serine.
Molecular consequence: missense variant.
Genome position (GRCh38, 1-based): chr2:47,801,111, A>G. VCF-style: chr2-47801111-A-G. GRCh37 (hg19) VCF-style: chr2-48028250-A-G.
Other names: c.2738A>G, p.Asn913Ser (NM_001281492.2); c.2222A>G, p.Asn741Ser (NM_001281493.2, NM_001281494.2); c.3128A>G (NM_000179.2); short protein forms N913S, N1043S, N741S.
Identifiers: ClinVar variation 1503104 (VCV001503104.9), dbSNP rs1558668226, ClinGen allele CA346756657.